The following is an entry in ClinVar:

ClinVar aggregate classification (germline): Uncertain significance (1 of 4 stars; one submission).

Conditions:
Granulomatous disease, chronic, autosomal recessive, cytochrome b-positive, type 2. Also called: GRANULOMATOUS DISEASE, CHRONIC, AUTOSOMAL RECESSIVE, 2; GRANULOMATOUS DISEASE, CHRONIC, DUE TO NCF2 DEFICIENCY; Chronic granulomatous disease due to deficiency of NCF-2; Chronic Granulomatous Disease, Autosomal Recessive, Cytochrome b-Positive, Type II; CGD, AUTOSOMAL RECESSIVE CYTOCHROME b-POSITIVE, TYPE II. Identifiers: Orphanet 379, MedGen C1856245, MONDO:0009310, OMIM 233710.

Allele frequency attached by ClinVar (database versions not stated): gnomAD 0.00001.
gnomAD v4.1: 3 of 1,614,038 alleles (0.00019%); highest among the groups gnomAD compares: Non-Finnish European, 0.00025%; no homozygotes.

Submission:

Labcorp Genetics (formerly Invitae), Labcorp
Classification: Uncertain significance for Granulomatous disease, chronic, autosomal recessive, cytochrome b-positive, type 2. Last evaluated: 2022-08-09. Review status: criteria provided, single submitter. Criteria: Invitae Variant Classification Sherloc (09022015). Collection method: clinical testing. Allele origin: germline.
Comment: This sequence change replaces glutamic acid, which is acidic and polar, with lysine, which is basic and polar, at codon 496 of the NCF2 protein (p.Glu496Lys). In summary, the available evidence is currently insufficient to determine the role of this variant in disease. Therefore, it has been classified as a Variant of Uncertain Significance. Algorithms developed to predict the effect of missense changes on protein structure and function (SIFT, PolyPhen-2, Align-GVGD) all suggest that this variant is likely to be disruptive. ClinVar contains an entry for this variant (Variation ID: 1495225). This variant has not been reported in the literature in individuals affected with NCF2-related conditions. This variant is not present in population databases (gnomAD no frequency).

NM_000433.4(NCF2):c.1486G>A (p.Glu496Lys)

Gene: NCF2 (neutrophil cytosolic factor 2; minus strand). Cytogenetic location: 1q25.3.
Variant type: single nucleotide variant.
Coding change: c.1486G>A on transcript NM_000433.4 (MANE Select); coding-DNA position 1486, G replaced by A.
Protein change: p.Glu496Lys; replaces glutamic acid 496 with lysine.
Molecular consequence: missense variant.
Genome position (GRCh38, 1-based): chr1:183,556,213, C>T on the plus strand (G>A on the coding strand, the complement: NCF2 is on the minus strand). VCF-style: chr1-183556213-C-T. GRCh37 (hg19) VCF-style: chr1-183525348-C-T.
Other names: c.1486G>A, p.Glu496Lys (NM_001127651.3); c.1243G>A, p.Glu415Lys (NM_001190789.2); c.1351G>A, p.Glu451Lys (NM_001190794.2); short protein forms E451K, E496K, E415K.
Identifiers: ClinVar variation 1495225 (VCV001495225.6), dbSNP rs1482490757, ClinGen allele CA343703438.